The following is an entry in ClinVar:

ClinVar aggregate classification (germline): Uncertain significance. Review status: criteria provided, multiple submitters, no conflicts (2 of 4 stars). 2 submissions from 2 submitters: Uncertain significance (2). Last evaluated 2025-06-19.

Conditions:
Rienhoff syndrome. Also called: LOEYS-DIETZ SYNDROME 5. Identifiers: MedGen C3810012, MONDO:0014262, OMIM 615582.
Familial thoracic aortic aneurysm and aortic dissection (TAAD). Also called: Thoracic aortic aneurysms and dissections. Identifiers: Orphanet 91387, MedGen C4707243, MONDO:0019625.

Submissions (2):

Labcorp Genetics (formerly Invitae), Labcorp
Classification: Uncertain significance for Rienhoff syndrome. Last evaluated: 2025-06-19. Review status: criteria provided, single submitter. Criteria: Invitae Variant Classification Sherloc (09022015). Collection method: clinical testing. Allele origin: germline.
Comment: This sequence change replaces valine, which is neutral and non-polar, with methionine, which is neutral and non-polar, at codon 398 of the TGFB3 protein (p.Val398Met). This variant is not present in population databases (gnomAD no frequency). This variant has not been reported in the literature in individuals affected with TGFB3-related conditions. ClinVar contains an entry for this variant (Variation ID: 3176651). Invitae Evidence Modeling of protein sequence and biophysical properties (such as structural, functional, and spatial information, amino acid conservation, physicochemical variation, residue mobility, and thermodynamic stability) indicates that this missense variant is not expected to disrupt TGFB3 protein function with a negative predictive value of 80%. In summary, the available evidence is currently insufficient to determine the role of this variant in disease. Therefore, it has been classified as a Variant of Uncertain Significance.

Ambry Genetics
Classification: Uncertain significance for Familial thoracic aortic aneurysm and aortic dissection. Last evaluated: 2023-12-27. Review status: criteria provided, single submitter. Criteria: Ambry Variant Classification Scheme 2023. Collection method: clinical testing. Allele origin: germline.

NM_003239.5(TGFB3):c.1192G>A (p.Val398Met)

Gene: TGFB3 (transforming growth factor beta 3; minus strand). Cytogenetic location: 14q24.3.
Variant type: single nucleotide variant.
Coding change: c.1192G>A on transcript NM_003239.5 (MANE Select); coding-DNA position 1192, G replaced by A.
Protein change: p.Val398Met; replaces valine 398 with methionine.
Molecular consequence: missense variant.
Genome position (GRCh38, 1-based): chr14:75,959,234, C>T on the plus strand (G>A on the coding strand, the complement: TGFB3 is on the minus strand). VCF-style: chr14-75959234-C-T. GRCh37 (hg19) VCF-style: chr14-76425577-C-T.
Other names: c.1192G>A, p.Val398Met (NM_001329939.2); short protein forms V398M.
Identifiers: ClinVar variation 3176651 (VCV003176651.2), dbSNP rs2504093532, ClinGen allele CA390466793.